The following is an entry in ClinVar:

ClinVar aggregate classification (germline): Uncertain significance. Review status: criteria provided, multiple submitters, no conflicts (2 of 4 stars). 2 submissions from 2 submitters: Uncertain significance (2). Last evaluated 2024-10-20.

Conditions:
Inborn genetic diseases. Identifiers: MedGen C0950123, MeSH D030342.
Polyhydramnios, megalencephaly, and symptomatic epilepsy (PMSE). Also called: PMSE SYNDROME. Identifiers: Orphanet 500533, MedGen C1970203, MONDO:0012611, OMIM 611087.

Allele frequency attached by ClinVar (database versions not stated): gnomAD exomes below 0.00001 and 0.00001.
gnomAD v4.1: 9 of 1,614,182 alleles (0.00056%); highest among the groups gnomAD compares: Non-Finnish European, 0.00076%; no homozygotes.

Submissions (2):

Ambry Genetics
Classification: Uncertain significance for Inborn genetic diseases. Last evaluated: 2024-10-20. Review status: criteria provided, single submitter. Criteria: Ambry Variant Classification Scheme 2023. Collection method: clinical testing. Allele origin: germline.

Labcorp Genetics (formerly Invitae), Labcorp
Classification: Uncertain significance for Polyhydramnios, megalencephaly, and symptomatic epilepsy. Last evaluated: 2021-02-23. Review status: criteria provided, single submitter. Criteria: Invitae Variant Classification Sherloc (09022015). Collection method: clinical testing. Allele origin: germline.
Comment: This sequence change replaces histidine with aspartic acid at codon 223 of the STRADA protein (p.His223Asp). The histidine residue is moderately conserved and there is a moderate physicochemical difference between histidine and aspartic acid. This variant is not present in population databases (ExAC no frequency). This variant has not been reported in the literature in individuals with STRADA-related conditions. Algorithms developed to predict the effect of missense changes on protein structure and function are either unavailable or do not agree on the potential impact of this missense change (SIFT: "Tolerated"; PolyPhen-2: "Possibly Damaging"; Align-GVGD: "Class C0"). In summary, the available evidence is currently insufficient to determine the role of this variant in disease. Therefore, it has been classified as a Variant of Uncertain Significance.

NM_001003787.4(STRADA):c.667C>G (p.His223Asp)

Gene: STRADA (STE20 related adaptor alpha; minus strand). Cytogenetic location: 17q23.3.
Variant type: single nucleotide variant.
Coding change: c.667C>G on transcript NM_001003787.4 (MANE Select); coding-DNA position 667, C replaced by G.
Protein change: p.His223Asp; replaces histidine 223 with aspartic acid.
Molecular consequence: missense variant.
Genome position (GRCh38, 1-based): chr17:63,707,333, G>C on the plus strand (C>G on the coding strand, the complement: STRADA is on the minus strand). VCF-style: chr17-63707333-G-C. GRCh37 (hg19) VCF-style: chr17-61784693-G-C.
Other names: c.667C>G (NM_001003787.2); c.556C>G, p.His186Asp (NM_001003786.3, NM_001363789.1, NM_153335.6); c.493C>G, p.His165Asp (NM_001003788.3, NM_001363790.1, NM_001363791.1); c.580C>G, p.His194Asp (NM_001165969.2, NM_001363787.1); c.535C>G, p.His179Asp (NM_001165970.2); c.643C>G, p.His215Asp (NM_001363786.1); c.667C>G, p.His223Asp (NM_001363788.1); short protein forms H179D, H186D, H165D, H194D, H215D, H223D.
Identifiers: ClinVar variation 1037811 (VCV001037811.9), dbSNP rs1231348037, ClinGen allele CA400591500.